The following is an entry in ClinVar:

ClinVar aggregate classification (germline): Uncertain significance. Review status: criteria provided, multiple submitters, no conflicts (2 of 4 stars). 4 submissions from 4 submitters: Uncertain significance (4). Last evaluated 2025-12-24.

Allele frequency attached by ClinVar (database versions not stated): ExAC 0.00001; gnomAD 0.00001; gnomAD exomes 0.00002.

Submissions (4):

Labcorp Genetics (formerly Invitae), Labcorp
Classification: Uncertain significance. Last evaluated: 2025-12-24. Review status: criteria provided, single submitter. Criteria: Invitae Variant Classification Sherloc (09022015). Collection method: clinical testing. Allele origin: germline.
Comment: This sequence change replaces valine, which is neutral and non-polar, with methionine, which is neutral and non-polar, at codon 95 of the GJB3 protein (p.Val95Met). This variant is present in population databases (rs777376931, gnomAD 0.004%). This variant has not been reported in the literature in individuals affected with GJB3-related conditions. ClinVar contains an entry for this variant (Variation ID: 1434938). Invitae Evidence Modeling of protein sequence and biophysical properties (such as structural, functional, and spatial information, amino acid conservation, physicochemical variation, residue mobility, and thermodynamic stability) indicates that this missense variant is expected to disrupt GJB3 protein function with a positive predictive value of 80%. In summary, the available evidence is currently insufficient to determine the role of this variant in disease. Therefore, it has been classified as a Variant of Uncertain Significance.

GeneDx
Classification: Uncertain significance. Last evaluated: 2025-03-24. Review status: criteria provided, single submitter. Criteria: GeneDx Variant Classification Process June 2021. Collection method: clinical testing. Allele origin: germline. Affected: yes.
Comment: In silico analysis supports that this missense variant has a deleterious effect on protein structure/function; Has not been previously published as pathogenic or benign to our knowledge

Blueprint Genetics
Classification: Uncertain significance. Last evaluated: 2022-11-11. Review status: criteria provided, single submitter. Criteria: ACMG Guidelines, 2015. Collection method: clinical testing. Allele origin: germline.

Breakthrough Genomics
Classification: Uncertain significance. Review status: criteria provided, single submitter. Criteria: ACMG Guidelines, 2015. Collection method: not provided. Allele origin: germline. Inheritance: Autosomal recessive inheritance. Affected: yes.

NM_024009.3(GJB3):c.283G>A (p.Val95Met)

Gene: GJB3 (gap junction protein beta 3; plus strand). Cytogenetic location: 1p34.3.
Variant type: single nucleotide variant.
Coding change: c.283G>A on transcript NM_024009.3 (MANE Select); coding-DNA position 283, G replaced by A.
Protein change: p.Val95Met; replaces valine 95 with methionine.
Molecular consequence: missense variant.
Genome position (GRCh38, 1-based): chr1:34,785,045, G>A. VCF-style: chr1-34785045-G-A. GRCh37 (hg19) VCF-style: chr1-35250646-G-A.
Other names: c.283G>A, p.Val95Met (NM_001005752.2); c.283G>A (NM_024009.2); short protein forms V95M.
Identifiers: ClinVar variation 1434938 (VCV001434938.9), dbSNP rs777376931, ClinGen allele CA754793.